The following is an entry in ClinVar:

NM_031866.3(FZD8):c.78G>A (p.Ala26=)

Gene: FZD8 (frizzled class receptor 8; minus strand). Cytogenetic location: 10p11.21.
Variant type: single nucleotide variant.
Coding change: c.78G>A on transcript NM_031866.3 (MANE Select); coding-DNA position 78, G replaced by A.
Protein change: p.Ala26=; no amino-acid change (alanine 26 retained).
Molecular consequence: synonymous variant.
Genome position (GRCh38, 1-based): chr10:35,641,352, C>T on the plus strand (G>A on the coding strand, the complement: FZD8 is on the minus strand). VCF-style: chr10-35641352-C-T. GRCh37 (hg19) VCF-style: chr10-35930280-C-T.
Identifiers: ClinVar variation 2640409 (VCV002640409.24), dbSNP rs1358564787, ClinGen allele CA468969795.

ClinVar aggregate classification (germline): Likely benign (1 of 4 stars; one submission).

Submission:

CeGaT Center for Human Genetics Tuebingen
Classification: Likely benign. Last evaluated: 2023-10-01. Review status: criteria provided, single submitter. Criteria: CeGaT Center For Human Genetics Tuebingen Variant Classification Criteria Version 2. Collection method: clinical testing. Allele origin: germline. Affected: yes. Observed: 1 variant allele.
Comment: FZD8: BP4, BP7